The following is an entry in ClinVar:

NM_000059.4(BRCA2):c.8493G>A (p.Met2831Ile)

Gene: BRCA2 (BRCA2 DNA repair associated; plus strand). Cytogenetic location: 13q13.1.
Variant type: single nucleotide variant.
Coding change: c.8493G>A on transcript NM_000059.4 (MANE Select); coding-DNA position 8493, G replaced by A.
Protein change: p.Met2831Ile; replaces methionine 2831 with isoleucine.
Molecular consequence: missense variant. On other transcripts: non-coding transcript variant (1).
Genome position (GRCh38, 1-based): chr13:32,370,961, G>A. VCF-style: chr13-32370961-G-A. GRCh37 (hg19) VCF-style: chr13-32945098-G-A.
Other names: c.8397G>A, p.Met2799Ile (NM_001406719.1); c.8493G>A, p.Met2831Ile (NM_001406720.1); c.3561G>A, p.Met1187Ile (NM_001406721.1); c.2076G>A, p.Met692Ile (NM_001406722.1); short protein forms M1187I, M2799I, M2831I, M692I.
Identifiers: ClinVar variation 2774956 (VCV002774956.5), dbSNP rs2137599752, ClinGen allele CA387752667.
Genomic context (GRCh38, chr13:32,370,961, plus strand): 5'-TTAACTTGAATGTTATATATGTGACTTTTTTGGTGTGTGTAACACATTATTACAGTGGAT[G>A]GAGAAGACATCATCTGGATTATACATATTTCGCAATGAAAGAGAGGAAGAAAAGGAAGCA-3'
Protein context (NP_000050.3, residues 2821-2841): IIQRAYPIQW[Met2831Ile]EKTSSGLYIF

ClinVar aggregate classification (germline): Uncertain significance. Review status: criteria provided, multiple submitters, no conflicts (2 of 4 stars). 3 submissions from 3 submitters: Uncertain significance (3). Last evaluated 2024-12-03.

Conditions:
Hereditary cancer-predisposing syndrome. Also called: Neoplastic Syndromes, Hereditary; Tumor predisposition; Hereditary Cancer Syndrome; Hereditary neoplastic syndrome. Identifiers: Orphanet 140162, MedGen C0027672, MeSH D009386, MONDO:0015356.
Hereditary breast ovarian cancer syndrome. Also called: Hereditary breast and ovarian cancer syndrome (HBOC); Hereditary breast and/or ovarian cancer syndrome; Hereditary breast and ovarian cancer; Hereditary breast and ovarian cancer syndrome; BRCA1- and BRCA2-Associated Hereditary Breast and Ovarian Cancer; Breast and ovarian cancer. Identifiers: Orphanet 145, MedGen C0677776, MeSH D061325, MONDO:0003582. Disease mechanism: loss of function.

Allele frequency attached by ClinVar (database versions not stated): gnomAD exomes below 0.00001.
gnomAD v4.1: 2 of 1,614,002 alleles (0.00012%); highest among the groups gnomAD compares: Non-Finnish European, 0.00017%; no homozygotes.

Submissions (3):

Ambry Genetics
Classification: Uncertain significance for Hereditary cancer-predisposing syndrome. Last evaluated: 2024-12-03. Review status: criteria provided, single submitter. Criteria: Ambry Variant Classification Scheme 2023. Collection method: clinical testing. Allele origin: germline.
Comment: The p.M2831I variant (also known as c.8493G>A), located in coding exon 19 of the BRCA2 gene, results from a G to A substitution at nucleotide position 8493. The methionine at codon 2831 is replaced by isoleucine, an amino acid with highly similar properties. This amino acid position is conserved. In addition, the in silico prediction for this alteration is inconclusive. Based on the available evidence, the clinical significance of this variant remains unclear.

Labcorp Genetics (formerly Invitae), Labcorp
Classification: Uncertain significance for Hereditary breast ovarian cancer syndrome. Last evaluated: 2024-02-11. Review status: criteria provided, single submitter. Criteria: Invitae Variant Classification Sherloc (09022015). Collection method: clinical testing. Allele origin: germline.
Comment: This sequence change replaces methionine, which is neutral and non-polar, with isoleucine, which is neutral and non-polar, at codon 2831 of the BRCA2 protein (p.Met2831Ile). This variant is not present in population databases (gnomAD no frequency). This variant has not been reported in the literature in individuals affected with BRCA2-related conditions. Advanced modeling of protein sequence and biophysical properties (such as structural, functional, and spatial information, amino acid conservation, physicochemical variation, residue mobility, and thermodynamic stability) performed at Invitae indicates that this missense variant is not expected to disrupt BRCA2 protein function with a negative predictive value of 95%. In summary, the available evidence is currently insufficient to determine the role of this variant in disease. Therefore, it has been classified as a Variant of Uncertain Significance.

Color Diagnostics, LLC DBA Color Health
Classification: Uncertain significance for Hereditary cancer-predisposing syndrome. Last evaluated: 2023-09-18. Review status: criteria provided, single submitter. Criteria: ACMG Guidelines, 2015. Collection method: clinical testing. Allele origin: germline.
Comment: This missense variant replaces methionine with isoleucine at codon 2831 of the BRCA2 protein. Computational prediction suggests that this variant may not impact protein structure and function (internally defined REVEL score threshold <= 0.5, PMID: 27666373). To our knowledge, functional studies have not been reported for this variant. This variant has not been reported in individuals affected with BRCA2-related disorders in the literature. This variant has not been identified in the general population by the Genome Aggregation Database (gnomAD). The available evidence is insufficient to determine the role of this variant in disease conclusively. Therefore, this variant is classified as a Variant of Uncertain Significance.